The following is an entry in ClinVar:

ClinVar aggregate classification (germline): Pathogenic (1 of 4 stars; one submission).

Submission:

Labcorp Genetics (formerly Invitae), Labcorp
Classification: Pathogenic. Last evaluated: 2020-11-14. Review status: criteria provided, single submitter. Criteria: Invitae Variant Classification Sherloc (09022015). Collection method: clinical testing. Allele origin: germline.
Comment: This sequence change creates a premature translational stop signal (p.Ala689Glnfs*59) in the COL27A1 gene. It is expected to result in an absent or disrupted protein product. Loss-of-function variants in COL27A1 are known to be pathogenic (PMID: 24986830, 28276056). This variant is not present in population databases (ExAC no frequency). This variant has not been reported in the literature in individuals with COL27A1-related conditions. For these reasons, this variant has been classified as Pathogenic.

Literature cited by the submitters: PubMed 24986830; PubMed 28276056.

NM_032888.4(COL27A1):c.2065del (p.Ala689fs)

Gene: COL27A1 (collagen type XXVII alpha 1 chain; plus strand). Cytogenetic location: 9q32.
Variant type: Deletion.
Coding change: c.2065del on transcript NM_032888.4 (MANE Select); coding-DNA position 2065, one base deleted (G; older notation c.2065delG).
Protein change: p.Ala689fs; shifts the reading frame from alanine 689.
Molecular consequence: frameshift variant.
Genome position (GRCh38, 1-based): chr9:114,194,452, G deleted; the last of 4 consecutive G bases (chr9:114,194,449-114,194,452); deleting any one gives the same sequence. VCF-style (leftmost placement, unchanged base first): chr9-114194448-TG-T. GRCh37 (hg19) VCF-style: chr9-116956728-TG-T.
Other names: short protein forms A689fs.
Identifiers: ClinVar variation 1458905 (VCV001458905.6), dbSNP rs2135241404, ClinGen allele CA2573143789.